The following is an entry in ClinVar:

NM_000553.6(WRN):c.747C>T (p.Asp249=)

Gene: WRN (WRN RecQ like helicase; plus strand). Cytogenetic location: 8p12.
Variant type: single nucleotide variant.
Coding change: c.747C>T on transcript NM_000553.6 (MANE Select); coding-DNA position 747, C replaced by T.
Protein change: p.Asp249=; no amino-acid change (aspartic acid 249 retained).
Molecular consequence: synonymous variant.
Genome position (GRCh38, 1-based): chr8:31,076,195, C>T. VCF-style: chr8-31076195-C-T. GRCh37 (hg19) VCF-style: chr8-30933711-C-T.
Other names: p.Asp249=.
Identifiers: ClinVar variation 290126 (VCV000290126.13), dbSNP rs374142752, ClinGen allele CA10606655.

ClinVar aggregate classification (germline): Conflicting classifications of pathogenicity. Review status: criteria provided, conflicting classifications (1 of 4 stars). 4 submissions from 4 submitters: Uncertain significance (1); Likely benign (3). Last evaluated 2025-08-18.

Conditions:
Werner syndrome (WRN). Identifiers: Orphanet 902, MedGen C0043119, MONDO:0010196, OMIM 277700.

gnomAD v4.1: 42 of 1,613,616 alleles (0.0026%); highest among the groups gnomAD compares: Middle Eastern, 0.58%; 3 homozygotes.

Submissions (4):

Mayo Clinic Laboratories, Mayo Clinic
Classification: Likely benign. Last evaluated: 2025-08-18. Review status: criteria provided, single submitter. Criteria: ACMG Guidelines, 2015. Collection method: clinical testing. Allele origin: germline. Observed: 1 variant allele.
Comment: BP4, BP7

Labcorp Genetics (formerly Invitae), Labcorp
Classification: Likely benign for Werner syndrome. Last evaluated: 2023-09-17. Review status: criteria provided, single submitter. Criteria: Invitae Variant Classification Sherloc (09022015). Collection method: clinical testing. Allele origin: germline.

Blueprint Genetics
Classification: Likely benign. Last evaluated: 2020-11-10. Review status: criteria provided, single submitter. Criteria: ACMG Guidelines, 2015. Collection method: clinical testing. Allele origin: germline.

Eurofins Ntd Llc (ga)
Classification: Uncertain significance. Last evaluated: 2016-09-06. Review status: criteria provided, single submitter. Criteria: EGL Classification Definitions 2015. Collection method: clinical testing. Allele origin: germline. Observed: 1 variant allele, 1 heterozygote.